The following is an entry in ClinVar:

ClinVar aggregate classification (germline): Uncertain significance (0 of 4 stars; one submission).

Conditions:
HUWE1-related disorder. Also called: HUWE1-related condition.

Submission:

PreventionGenetics, part of Exact Sciences
Classification: Uncertain significance for HUWE1-related condition. Last evaluated: 2024-09-09. Review status: no assertion criteria provided. Collection method: clinical testing. Allele origin: germline.
Comment: The HUWE1 c.12860C>A variant is predicted to result in the amino acid substitution p.Ser4287Tyr. To our knowledge, this variant has not been reported in the literature or in a large population database, indicating this variant is rare. At this time, the clinical significance of this variant is uncertain due to the absence of conclusive functional and genetic evidence.

NM_031407.7(HUWE1):c.12860C>A (p.Ser4287Tyr)

Gene: HUWE1 (HECT, UBA and WWE domain containing E3 ubiquitin protein ligase 1; minus strand). Cytogenetic location: Xp11.22.
Variant type: single nucleotide variant.
Coding change: c.12860C>A on transcript NM_031407.7 (MANE Select); coding-DNA position 12860, C replaced by A.
Protein change: p.Ser4287Tyr; replaces serine 4287 with tyrosine.
Molecular consequence: missense variant.
Genome position (GRCh38, 1-based): chrX:53,534,169, G>T on the plus strand (C>A on the coding strand, the complement: HUWE1 is on the minus strand). VCF-style: chrX-53534169-G-T. GRCh37 (hg19) VCF-style: chrX-53561130-G-T.
Other names: short protein forms S4287Y.
Identifiers: ClinVar variation 3354451 (VCV003354451.1).
Genomic context (GRCh38, chrX:53,534,169, plus strand): 5'-GGTACCTTGGAAGTACCTGTGACAAACTGGAGGAACTTGGCACGGTCAGCTTGATCGAAA[G>T]AACGCAATGCTCTCCAGAACCACTGGATCTGTAGGAAGGGACCCATGAAGCCAGTGTTAG-3'
Protein context (NP_113584.3, residues 4277-4297): QIQWFWRALR[Ser4287Tyr]FDQADRAKFL